The following is an entry in ClinVar:

NM_000368.5(TSC1):c.2786A>G (p.Tyr929Cys)

Gene: TSC1 (TSC complex subunit 1; minus strand). Cytogenetic location: 9q34.13.
Variant type: single nucleotide variant.
Coding change: c.2786A>G on transcript NM_000368.5 (MANE Select); coding-DNA position 2786, A replaced by G.
Protein change: p.Tyr929Cys; replaces tyrosine 929 with cysteine.
Molecular consequence: missense variant. On other transcripts: non-coding transcript variant (5).
Genome position (GRCh38, 1-based): chr9:132,897,450, T>C on the plus strand (A>G on the coding strand, the complement: TSC1 is on the minus strand). VCF-style: chr9-132897450-T-C. GRCh37 (hg19) VCF-style: chr9-135772837-T-C.
Other names: c.2744A>G, p.Tyr915Cys (NM_001406607.1, NM_001406605.1, NM_001406606.1); c.2741A>G, p.Tyr914Cys (NM_001406608.1, NM_001406609.1); c.2633A>G, p.Tyr878Cys (NM_001406610.1, NM_001162427.2); c.2630A>G, p.Tyr877Cys (NM_001406611.1, NM_001406612.1); c.2588A>G, p.Tyr863Cys (NM_001406613.1); c.2423A>G, p.Tyr808Cys (NM_001406614.1, NM_001406615.1, NM_001406616.1 and 4 more transcripts); c.2783A>G, p.Tyr928Cys (NM_001162426.2, NM_001406597.1, NM_001406598.1 and 2 more transcripts); c.2786A>G, p.Tyr929Cys (NM_001406592.1, NM_001406593.1, NM_001406594.1 and 2 more transcripts); and 8 more; short protein forms Y611C, Y612C, Y578C, Y863C, Y877C, Y914C, Y794C, Y807C.
Identifiers: ClinVar variation 4694951 (VCV004694951.1).

ClinVar aggregate classification (germline): Uncertain significance (1 of 4 stars; one submission).

Conditions:
Tuberous sclerosis 1 (TSC1). Identifiers: Orphanet 805, MedGen C1854465, MONDO:0008612, OMIM 191100.

Submission:

Labcorp Genetics (formerly Invitae), Labcorp
Classification: Uncertain significance for Tuberous sclerosis 1. Last evaluated: 2025-12-09. Review status: criteria provided, single submitter. Criteria: Invitae Variant Classification Sherloc (09022015). Collection method: clinical testing. Allele origin: germline.
Comment: This sequence change replaces tyrosine, which is neutral and polar, with cysteine, which is neutral and slightly polar, at codon 929 of the TSC1 protein (p.Tyr929Cys). This variant is not present in population databases (gnomAD no frequency). This variant has not been reported in the literature in individuals affected with TSC1-related conditions. Invitae Evidence Modeling of protein sequence and biophysical properties (such as structural, functional, and spatial information, amino acid conservation, physicochemical variation, residue mobility, and thermodynamic stability) indicates that this missense variant is not expected to disrupt TSC1 protein function with a negative predictive value of 95%. In summary, the available evidence is currently insufficient to determine the role of this variant in disease. Therefore, it has been classified as a Variant of Uncertain Significance.